The following is an entry in ClinVar:

NM_000179.3(MSH6):c.2421A>T (p.Glu807Asp)

Gene: MSH6 (mutS homolog 6; plus strand). Cytogenetic location: 2p16.3.
Variant type: single nucleotide variant.
Coding change: c.2421A>T on transcript NM_000179.3 (MANE Select); coding-DNA position 2421, A replaced by T.
Protein change: p.Glu807Asp; replaces glutamic acid 807 with aspartic acid.
Molecular consequence: missense variant.
Genome position (GRCh38, 1-based): chr2:47,800,404, A>T. VCF-style: chr2-47800404-A-T. GRCh37 (hg19) VCF-style: chr2-48027543-A-T.
Other names: c.2031A>T, p.Glu677Asp (NM_001281492.2); c.1515A>T, p.Glu505Asp (NM_001281493.2, NM_001281494.2, NM_001406811.1 and 6 more transcripts); c.2517A>T, p.Glu839Asp (NM_001406795.1, NM_001406802.1); c.2421A>T, p.Glu807Asp (NM_001406796.1, NM_001406798.1, NM_001406800.1 and 2 more transcripts); c.2124A>T, p.Glu708Asp (NM_001406797.1, NM_001406801.1, NM_001406805.1 and 10 more transcripts); c.1896A>T, p.Glu632Asp (NM_001406799.1, NM_001406806.1, NM_001406807.1); c.2343A>T, p.Glu781Asp (NM_001406804.1); c.2427A>T, p.Glu809Asp (NM_001406813.1); and 1 more; short protein forms E677D, E708D, E751D, E781D, E505D, E807D, E809D, E839D.
Identifiers: ClinVar variation 1791021 (VCV001791021.2), dbSNP rs2104405942, ClinGen allele CA346754012.

ClinVar aggregate classification (germline): Uncertain significance (1 of 4 stars; one submission).

Conditions:
Hereditary cancer-predisposing syndrome. Also called: Hereditary Cancer Syndrome; Hereditary neoplastic syndrome; Tumor predisposition; Neoplastic Syndromes, Hereditary. Identifiers: Orphanet 140162, MedGen C0027672, MeSH D009386, MONDO:0015356.

Submission:

Ambry Genetics
Classification: Uncertain significance for Hereditary cancer-predisposing syndrome. Last evaluated: 2022-06-16. Review status: criteria provided, single submitter. Criteria: Ambry Variant Classification Scheme 2023. Collection method: clinical testing. Allele origin: germline.
Comment: The p.E807D variant (also known as c.2421A>T), located in coding exon 4 of the MSH6 gene, results from an A to T substitution at nucleotide position 2421. The glutamic acid at codon 807 is replaced by aspartic acid, an amino acid with highly similar properties. This amino acid position is conserved. In addition, this alteration is predicted to be tolerated by in silico analysis. Since supporting evidence is limited at this time, the clinical significance of this alteration remains unclear.